The following is an entry in ClinVar:

NM_001987.5(ETV6):c.711G>C (p.Val237=)

Gene: ETV6 (ETS variant transcription factor 6; plus strand). Cytogenetic location: 12p13.2.
Variant type: single nucleotide variant.
Coding change: c.711G>C on transcript NM_001987.5 (MANE Select); coding-DNA position 711, G replaced by C.
Protein change: p.Val237=; no amino-acid change (valine 237 retained).
Molecular consequence: synonymous variant.
Genome position (GRCh38, 1-based): chr12:11,869,671, G>C. VCF-style: chr12-11869671-G-C. GRCh37 (hg19) VCF-style: chr12-12022605-G-C.
Other names: c.708G>C, p.Val236= (NM_001413913.1); c.684G>C, p.Val228= (NM_001413914.1); c.447G>C, p.Val149= (NM_001413915.1); c.711G>C, p.Val237= (NM_001413916.1, NM_001413917.1).
Identifiers: ClinVar variation 1723547 (VCV001723547.5), dbSNP rs891404433, ClinGen allele CA232608095.

ClinVar aggregate classification (germline): Conflicting classifications of pathogenicity. Review status: criteria provided, conflicting classifications (1 of 4 stars). 3 submissions from 3 submitters: Uncertain significance (1); Likely benign (2). Last evaluated 2025-10-13.

Conditions:
Inborn genetic diseases. Identifiers: MedGen C0950123, MeSH D030342.

Allele frequency attached by ClinVar (database versions not stated): gnomAD exomes below 0.00001; TOPMed below 0.00001; gnomAD 0.00001.
gnomAD v4.1: 9 of 1,613,996 alleles (0.00056%); highest among the groups gnomAD compares: Admixed American, 0.0017%; no homozygotes.

Submissions (3):

Labcorp Genetics (formerly Invitae), Labcorp
Classification: Likely benign. Last evaluated: 2025-10-13. Review status: criteria provided, single submitter. Criteria: Invitae Variant Classification Sherloc (09022015). Collection method: clinical testing. Allele origin: germline.

Ambry Genetics
Classification: Likely benign for Inborn genetic diseases. Last evaluated: 2025-06-02. Review status: criteria provided, single submitter. Criteria: Ambry Variant Classification Scheme 2023. Collection method: clinical testing. Allele origin: germline.

GeneDx
Classification: Uncertain significance. Last evaluated: 2022-05-11. Review status: criteria provided, single submitter. Criteria: GeneDx Variant Classification Process June 2021. Collection method: clinical testing. Allele origin: germline. Affected: yes.
Comment: Not observed at significant frequency in large population cohorts (gnomAD); In silico analysis supports that this variant does not alter splicing; Has not been previously published as pathogenic or benign to our knowledge